The following is an entry in ClinVar:

NM_031471.6(FERMT3):c.389T>G (p.Leu130Arg)

Gene: FERMT3 (FERM domain containing kindlin 3; plus strand). Cytogenetic location: 11q13.1.
Variant type: single nucleotide variant.
Coding change: c.389T>G on transcript NM_031471.6 (MANE Select); coding-DNA position 389, T replaced by G.
Protein change: p.Leu130Arg; replaces leucine 130 with arginine.
Molecular consequence: missense variant. On other transcripts: 5 prime UTR variant (2).
Genome position (GRCh38, 1-based): chr11:64,210,839, T>G. VCF-style: chr11-64210839-T-G. GRCh37 (hg19) VCF-style: chr11-63978311-T-G.
Other names: c.389T>G, p.Leu130Arg (NM_001382361.1, NM_001382362.1, NM_001382448.1 and 1 more transcripts); c.-152T>G (NM_001382363.1, NM_001382364.1); short protein forms L130R.
Identifiers: ClinVar variation 1447014 (VCV001447014.8), dbSNP rs1433083830, ClinGen allele CA381081641.

ClinVar aggregate classification (germline): Uncertain significance (1 of 4 stars; one submission).

Conditions:
Leukocyte adhesion deficiency 3. Also called: Leukocyte adhesion deficiency, type III; INTEGRIN ACTIVATION DEFICIENCY DISEASE; LEUKOCYTE ADHESION DEFICIENCY 1 VARIANT. Identifiers: Orphanet 2968, Orphanet 99844, MedGen C2748536, MONDO:0013016, OMIM 612840.

Allele frequency attached by ClinVar (database versions not stated): gnomAD 0.00001 and 0.00002; gnomAD exomes 0.00001 and 0.00002; TOPMed 0.00001.
gnomAD v4.1: 11 of 1,611,868 alleles (0.00068%); highest among the groups gnomAD compares: Admixed American, 0.0067%; no homozygotes.

Submission:

Labcorp Genetics (formerly Invitae), Labcorp
Classification: Uncertain significance for Leukocyte adhesion deficiency 3. Last evaluated: 2021-03-11. Review status: criteria provided, single submitter. Criteria: Invitae Variant Classification Sherloc (09022015). Collection method: clinical testing. Allele origin: germline.
Comment: This sequence change replaces leucine with arginine at codon 130 of the FERMT3 protein (p.Leu130Arg). The leucine residue is moderately conserved and there is a moderate physicochemical difference between leucine and arginine. This variant is not present in population databases (ExAC no frequency). This variant has not been reported in the literature in individuals with FERMT3-related conditions. Algorithms developed to predict the effect of missense changes on protein structure and function (SIFT, PolyPhen-2, Align-GVGD) all suggest that this variant is likely to be tolerated, but these predictions have not been confirmed by published functional studies and their clinical significance is uncertain. In summary, the available evidence is currently insufficient to determine the role of this variant in disease. Therefore, it has been classified as a Variant of Uncertain Significance.